The following is an entry in ClinVar:

NM_201599.3(ZMYM3):c.1094A>G (p.Asp365Gly)

Gene: ZMYM3 (zinc finger MYM-type containing 3; minus strand). Cytogenetic location: Xq13.1.
Variant type: single nucleotide variant.
Coding change: c.1094A>G on transcript NM_201599.3 (MANE Select); coding-DNA position 1094, A replaced by G.
Protein change: p.Asp365Gly; replaces aspartic acid 365 with glycine.
Molecular consequence: missense variant.
Genome position (GRCh38, 1-based): chrX:71,250,183, T>C on the plus strand (A>G on the coding strand, the complement: ZMYM3 is on the minus strand). VCF-style: chrX-71250183-T-C. GRCh37 (hg19) VCF-style: chrX-70470033-T-C.
Other names: c.1094A>G, p.Asp365Gly (NM_001171162.1, NM_001171163.1, NM_005096.3); short protein forms D365G.
Identifiers: ClinVar variation 5020251 (VCV005020251.1).

ClinVar aggregate classification (germline): Uncertain significance (1 of 4 stars; one submission).

Submission:

Dasa
Classification: Uncertain significance. Last evaluated: 2026-07-04. Review status: criteria provided, single submitter. Criteria: DASA Assertion Criteria. Collection method: clinical testing. Allele origin: germline.
Comment: NM_201599.3(ZMYM3):c.1094A>G (p.Asp365Gly) is a missense variant that results in the substitution of aspartic acid with glycine. This variant is rare in population databases. Computational prediction algorithms are consistent with a benign effect. The currently available literature and clinical evidence are not sufficient to establish a definitive association between this variant and the reported condition. Therefore, this variant is classified as a variant of uncertain significance.